The following is an entry in ClinVar:

NM_018131.5(CEP55):c.908del (p.Lys303fs)

Gene: CEP55 (centrosomal protein 55; plus strand). Cytogenetic location: 10q23.33.
Variant type: Deletion.
Coding change: c.908del on transcript NM_018131.5 (MANE Select); coding-DNA position 908, one base deleted (A; older notation c.908delA).
Protein change: p.Lys303fs; shifts the reading frame from lysine 303.
Molecular consequence: frameshift variant.
Genome position (GRCh38, 1-based): chr10:93,517,163, A deleted; the last of 2 consecutive A bases (chr10:93,517,162-93,517,163); deleting either gives the same sequence. VCF-style (leftmost placement, unchanged base first): chr10-93517161-GA-G. GRCh37 (hg19) VCF-style: chr10-95276918-GA-G.
Other names: c.908del, p.Lys303fs (NM_001127182.2); short protein forms K303fs.
Identifiers: ClinVar variation 2041378 (VCV002041378.1), dbSNP rs1393566431, ClinGen allele CA595637663.

ClinVar aggregate classification (germline): Pathogenic (1 of 4 stars; one submission).

Submission:

Labcorp Genetics (formerly Invitae), Labcorp
Classification: Pathogenic. Last evaluated: 2022-06-28. Review status: criteria provided, single submitter. Criteria: Invitae Variant Classification Sherloc (09022015). Collection method: clinical testing. Allele origin: germline.
Comment: This sequence change creates a premature translational stop signal (p.Lys303Argfs*38) in the CEP55 gene. It is expected to result in an absent or disrupted protein product. Loss-of-function variants in CEP55 are known to be pathogenic (PMID: 28264986, 28295209, 30622327). This variant is present in population databases (no rsID available, gnomAD 0.004%). This variant has not been reported in the literature in individuals affected with CEP55-related conditions. For these reasons, this variant has been classified as Pathogenic.

Literature cited by the submitters: PubMed 28264986; PubMed 28295209; PubMed 30622327.